The following is an entry in ClinVar:

ClinVar aggregate classification (germline): Uncertain significance (1 of 4 stars; one submission).

Conditions:
Inborn genetic diseases. Identifiers: MedGen C0950123, MeSH D030342.

Submission:

Ambry Genetics
Classification: Uncertain significance for Inborn genetic diseases. Last evaluated: 2021-09-17. Review status: criteria provided, single submitter. Criteria: Ambry Variant Classification Scheme 2023. Collection method: clinical testing. Allele origin: germline.
Comment: The c.1922_1928delTCTGGGAinsCCT variant, located in coding exon 14 of the GSN gene, results from the deletion of 7 nucleotides and insertion of 3 nucleotides causing a translational frameshift with a predicted alternate stop codon (p.F641Sfs*16). This alteration is expected to result in premature protein truncation or nonsense-mediated mRNA decay. However, loss of function of GSN has not been clearly established as a mechanism of disease. Since supporting evidence is limited at this time, the clinical significance of this alteration remains unclear.

NM_198252.3(GSN):c.1769_1775delinsCCT (p.Phe590fs)

Gene: GSN (gelsolin; plus strand). Cytogenetic location: 9q33.2.
Variant type: Indel.
Coding change: c.1769_1775delinsCCT on transcript NM_198252.3 (MANE Select); coding-DNA positions 1769 to 1775, TCTGGGA replaced by CCT.
Protein change: p.Phe590fs; shifts the reading frame from phenylalanine 590.
Molecular consequence: frameshift variant.
Genome position (GRCh38, 1-based): chr9:121,328,897-121,328,903, TCTGGGA replaced by CCT. VCF-style: chr9-121328897-TCTGGGA-CCT. GRCh37 (hg19) VCF-style: chr9-124091175-TCTGGGA-CCT.
Other names: c.1922_1928delinsCCT, p.Phe641fs (NM_000177.5); c.1769_1775delinsCCT, p.Phe590fs (NM_001127662.2, NM_001127664.2, NM_001127665.2 and 10 more transcripts); c.1877_1883delinsCCT, p.Phe626fs (NM_001127663.2); c.1802_1808delinsCCT, p.Phe601fs (NM_001127666.2, NM_001127667.2, NM_001353063.2 and 13 more transcripts); c.1820_1826delinsCCT, p.Phe607fs (NM_001258029.2); c.1793_1799delinsCCT, p.Phe598fs (NM_001258030.2); c.1841_1847delinsCCT, p.Phe614fs (NM_001353076.2); c.1115_1121delinsCCT, p.Phe372fs (NM_001353078.2); short protein forms F614fs, F372fs, F598fs, F641fs, F590fs, F601fs, F607fs, F626fs.
Identifiers: ClinVar variation 1782699 (VCV001782699.2), dbSNP rs2541320361, ClinGen allele CA2580079569.
Genomic context (GRCh38, chr9:121,328,897, plus strand): 5'-TGGGAGAGAGGGGTGATGGCGTCCCTTGGCAACTGGCGTGGCCTCCCCTCACAGATGGCT[TCTGGGA>CCT]GGCCCTGGGCGGGAAGGCTGCCTACCGCACATCCCCACGGCTGAAGGACAAGAAGATGGA-3'